The following is an entry in ClinVar:

ClinVar aggregate classification (germline): Uncertain significance (1 of 4 stars; one submission).

Conditions:
Charcot-Marie-Tooth disease axonal type 2Z. Also called: CHARCOT-MARIE-TOOTH DISEASE, AXONAL, AUTOSOMAL DOMINANT, TYPE 2Z; CHARCOT-MARIE-TOOTH NEUROPATHY, TYPE 2Z. Identifiers: Orphanet 466768, MedGen C5569025, MONDO:0014736, OMIM 616688.

Allele frequency attached by ClinVar (database versions not stated): ExAC 0.00001; TOPMed 0.00002; ESP Exome Variant Server 0.00008.
gnomAD v4.1: 14 of 1,613,072 alleles (0.00087%); highest among the groups gnomAD compares: African/African-American, 0.019%; no homozygotes.

Submission:

Labcorp Genetics (formerly Invitae), Labcorp
Classification: Uncertain significance for Charcot-Marie-Tooth disease axonal type 2Z. Last evaluated: 2024-05-26. Review status: criteria provided, single submitter. Criteria: Invitae Variant Classification Sherloc (09022015). Collection method: clinical testing. Allele origin: germline.
Comment: This sequence change replaces proline, which is neutral and non-polar, with arginine, which is basic and polar, at codon 531 of the MORC2 protein (p.Pro531Arg). This variant is present in population databases (rs368467051, gnomAD 0.02%). This variant has not been reported in the literature in individuals affected with MORC2-related conditions. ClinVar contains an entry for this variant (Variation ID: 2200451). Advanced modeling of protein sequence and biophysical properties (such as structural, functional, and spatial information, amino acid conservation, physicochemical variation, residue mobility, and thermodynamic stability) performed at Invitae indicates that this missense variant is expected to disrupt MORC2 protein function with a positive predictive value of 80%. In summary, the available evidence is currently insufficient to determine the role of this variant in disease. Therefore, it has been classified as a Variant of Uncertain Significance.

NM_001303256.3(MORC2):c.1592C>G (p.Pro531Arg)

Gene: MORC2 (MORC family CW-type zinc finger 2; minus strand). Cytogenetic location: 22q12.2.
Variant type: single nucleotide variant.
Coding change: c.1592C>G on transcript NM_001303256.3 (MANE Select); coding-DNA position 1592, C replaced by G.
Protein change: p.Pro531Arg; replaces proline 531 with arginine.
Molecular consequence: missense variant.
Genome position (GRCh38, 1-based): chr22:30,936,944, G>C on the plus strand (C>G on the coding strand, the complement: MORC2 is on the minus strand). VCF-style: chr22-30936944-G-C. GRCh37 (hg19) VCF-style: chr22-31332931-G-C.
Other names: c.1592C>G, p.Pro531Arg (NM_001303257.2); c.1406C>G, p.Pro469Arg (NM_014941.3); short protein forms P531R, P469R.
Identifiers: ClinVar variation 2200451 (VCV002200451.4), dbSNP rs368467051, ClinGen allele CA10186919.